The following is an entry in ClinVar:

NM_183357.3(ADCY5):c.650G>A (p.Arg217His)

Gene: ADCY5 (adenylate cyclase 5; minus strand). Cytogenetic location: 3q21.1.
Variant type: single nucleotide variant.
Coding change: c.650G>A on transcript NM_183357.3 (MANE Select); coding-DNA position 650, G replaced by A.
Protein change: p.Arg217His; replaces arginine 217 with histidine.
Molecular consequence: missense variant.
Genome position (GRCh38, 1-based): chr3:123,447,896, C>T on the plus strand (G>A on the coding strand, the complement: ADCY5 is on the minus strand). VCF-style: chr3-123447896-C-T. GRCh37 (hg19) VCF-style: chr3-123166743-C-T.
Other names: c.650G>A, p.Arg217His (NM_001378259.1); short protein forms R217H.
Identifiers: ClinVar variation 2105421 (VCV002105421.4), dbSNP rs759713301, ClinGen allele CA354357033.

ClinVar aggregate classification (germline): Uncertain significance (1 of 4 stars; one submission).

Allele frequency attached by ClinVar (database versions not stated): TOPMed below 0.00001; gnomAD 0.00001.

Submission:

Labcorp Genetics (formerly Invitae), Labcorp
Classification: Uncertain significance. Last evaluated: 2022-11-06. Review status: criteria provided, single submitter. Criteria: Invitae Variant Classification Sherloc (09022015). Collection method: clinical testing. Allele origin: germline.
Comment: This sequence change replaces arginine, which is basic and polar, with histidine, which is basic and polar, at codon 217 of the ADCY5 protein (p.Arg217His). This variant is not present in population databases (gnomAD no frequency). This variant has not been reported in the literature in individuals affected with ADCY5-related conditions. Advanced modeling of protein sequence and biophysical properties (such as structural, functional, and spatial information, amino acid conservation, physicochemical variation, residue mobility, and thermodynamic stability) has been performed at Invitae for this missense variant, however the output from this modeling did not meet the statistical confidence thresholds required to predict the impact of this variant on ADCY5 protein function. In summary, the available evidence is currently insufficient to determine the role of this variant in disease. Therefore, it has been classified as a Variant of Uncertain Significance.